The following is an entry in ClinVar:

NM_016239.4(MYO15A):c.6821G>T (p.Trp2274Leu)

Gene: MYO15A (myosin XVA; plus strand). Cytogenetic location: 17p11.2.
Variant type: single nucleotide variant.
Coding change: c.6821G>T on transcript NM_016239.4 (MANE Select); coding-DNA position 6821, G replaced by T.
Protein change: p.Trp2274Leu; replaces tryptophan 2274 with leucine.
Molecular consequence: missense variant.
Genome position (GRCh38, 1-based): chr17:18,148,817, G>T. VCF-style: chr17-18148817-G-T. GRCh37 (hg19) VCF-style: chr17-18052131-G-T.
Other names: short protein forms W2274L.
Identifiers: ClinVar variation 1351121 (VCV001351121.8), dbSNP rs2046528137, ClinGen allele CA398612378.

ClinVar aggregate classification (germline): Uncertain significance. Review status: criteria provided, multiple submitters, no conflicts (2 of 4 stars). 3 submissions from 3 submitters: Uncertain significance (3). Last evaluated 2022-11-01.

Conditions:
Autosomal recessive nonsyndromic hearing loss 3. Also called: NEUROSENSORY NONSYNDROMIC RECESSIVE DEAFNESS 3. Identifiers: Orphanet 90636, MedGen C1838263, MONDO:0010860, OMIM 600316.

Allele frequency attached by ClinVar (database versions not stated): TOPMed below 0.00001.
gnomAD v4.1: 2 of 1,605,870 alleles (0.00012%); highest among the groups gnomAD compares: Admixed American, 0.0017%; no homozygotes.

Submissions (3):

Labcorp Genetics (formerly Invitae), Labcorp
Classification: Uncertain significance. Last evaluated: 2022-11-01. Review status: criteria provided, single submitter. Criteria: Invitae Variant Classification Sherloc (09022015). Collection method: clinical testing. Allele origin: germline.
Comment: In summary, the available evidence is currently insufficient to determine the role of this variant in disease. Therefore, it has been classified as a Variant of Uncertain Significance. Advanced modeling of protein sequence and biophysical properties (such as structural, functional, and spatial information, amino acid conservation, physicochemical variation, residue mobility, and thermodynamic stability) has been performed at Invitae for this missense variant, however the output from this modeling did not meet the statistical confidence thresholds required to predict the impact of this variant on MYO15A protein function. ClinVar contains an entry for this variant (Variation ID: 1351121). This variant has not been reported in the literature in individuals affected with MYO15A-related conditions. This variant is not present in population databases (gnomAD no frequency). This sequence change replaces tryptophan, which is neutral and slightly polar, with leucine, which is neutral and non-polar, at codon 2274 of the MYO15A protein (p.Trp2274Leu).

GeneDx
Classification: Uncertain significance. Last evaluated: 2022-03-16. Review status: criteria provided, single submitter. Criteria: GeneDx Variant Classification Process June 2021. Collection method: clinical testing. Allele origin: germline. Affected: yes.
Comment: Not observed at significant frequency in large population cohorts (gnomAD); In silico analysis supports that this missense variant has a deleterious effect on protein structure/function; Has not been previously published as pathogenic or benign to our knowledge

Fulgent Genetics
Classification: Uncertain significance for Autosomal recessive nonsyndromic hearing loss 3. Last evaluated: 2021-08-17. Review status: criteria provided, single submitter. Criteria: ACMG Guidelines, 2015. Collection method: clinical testing. Allele origin: unknown.